The following is an entry in ClinVar:

NM_004380.3(CREBBP):c.140A>T (p.Asn47Ile)

Gene: CREBBP (CREB binding lysine acetyltransferase; minus strand). Cytogenetic location: 16p13.3.
Variant type: single nucleotide variant.
Coding change: c.140A>T on transcript NM_004380.3 (MANE Select); coding-DNA position 140, A replaced by T.
Protein change: p.Asn47Ile; replaces asparagine 47 with isoleucine.
Molecular consequence: missense variant.
Genome position (GRCh38, 1-based): chr16:3,850,955, T>A on the plus strand (A>T on the coding strand, the complement: CREBBP is on the minus strand). VCF-style: chr16-3850955-T-A. GRCh37 (hg19) VCF-style: chr16-3900956-T-A.
Other names: c.140A>T, p.Asn47Ile (NM_001079846.1); short protein forms N47I.
Identifiers: ClinVar variation 3898590 (VCV003898590.7).

ClinVar aggregate classification (germline): Uncertain significance (1 of 4 stars; one submission).

Submission:

CeGaT Center for Human Genetics Tuebingen
Classification: Uncertain significance. Last evaluated: 2025-04-01. Review status: criteria provided, single submitter. Criteria: CeGaT Center For Human Genetics Tuebingen Variant Classification Criteria Version 2. Collection method: clinical testing. Allele origin: germline. Affected: yes. Observed: 1 variant allele.
Comment: CREBBP: PM2, PP2